The following is an entry in ClinVar:

ClinVar aggregate classification (germline): Uncertain significance (1 of 4 stars; one submission).

Submission:

Labcorp Genetics (formerly Invitae), Labcorp
Classification: Uncertain significance. Last evaluated: 2022-08-16. Review status: criteria provided, single submitter. Criteria: Invitae Variant Classification Sherloc (09022015). Collection method: clinical testing. Allele origin: germline.
Comment: This variant results in the deletion of part of exon 8 (c.1692_1693+2del) of the DHX32 gene. It is expected to disrupt RNA splicing. Variants that disrupt the donor or acceptor splice site typically lead to a loss of protein function (PMID: 16199547), however the current clinical and genetic evidence is not sufficient to establish whether loss-of-function variants in DHX32 cause disease. This variant is not present in population databases (gnomAD no frequency). This variant has not been reported in the literature in individuals affected with DHX32-related conditions. Algorithms developed to predict the effect of sequence changes on RNA splicing suggest that this variant may disrupt the consensus splice site. In summary, the available evidence is currently insufficient to determine the role of this variant in disease. Therefore, it has been classified as a Variant of Uncertain Significance.

Literature cited by the submitters: PubMed 16199547.

NM_018180.3(DHX32):c.1692_1693+2del

Genes: DHX32 (DEAH-box helicase 32 (putative); minus strand), BCCIP (BRCA2 and CDKN1A interacting protein; plus strand). Cytogenetic location: 10q26.2.
Variant type: Deletion.
Coding change: c.1692_1693+2del on transcript NM_018180.3 (MANE Select); coding-DNA position 1692 through the canonical splice donor site of the intron after coding-DNA position 1693, 4 bases deleted (GTGT; older notation c.1692_1693+2delGTGT).
Molecular consequence: splice donor variant. On other transcripts: intron variant (2).
Genome position (GRCh38, 1-based): chr10:125,840,845-125,840,848, ACAC deleted on the plus strand (GTGT on the coding strand, the reverse complement: DHX32 is on the minus strand). VCF-style (leftmost placement, unchanged base first): chr10-125840844-TACAC-T. GRCh37 (hg19) VCF-style: chr10-127529413-TACAC-T.
Other names: c.775-410_775-407del (NM_016567.4, NM_078469.3).
Identifiers: ClinVar variation 2074058 (VCV002074058.4), dbSNP rs2494378684, ClinGen allele CA2580082450.